The following is an entry in ClinVar:

ClinVar aggregate classification (germline): Uncertain significance. Review status: criteria provided, multiple submitters, no conflicts (2 of 4 stars). 2 submissions from 2 submitters: Uncertain significance (2). Last evaluated 2023-11-18.

Conditions:
Inborn genetic diseases. Identifiers: MedGen C0950123, MeSH D030342.
Familial temporal lobe epilepsy 7. Identifiers: Orphanet 101046, MedGen C4225327, MONDO:0014639, OMIM 616436.
Norman-Roberts syndrome (LIS2). Also called: Lissencephaly 2 (Norman-Roberts type). Identifiers: Orphanet 89844, MedGen C0796089, MONDO:0009760, OMIM 257320.

Allele frequency attached by ClinVar (database versions not stated): ExAC 0.00001; gnomAD exomes 0.00001; TOPMed 0.00001; ESP Exome Variant Server 0.00008.
gnomAD v4.1: 13 of 1,610,750 alleles (0.00081%); highest among the groups gnomAD compares: East Asian, 0.0045%; no homozygotes.

Submissions (2):

Labcorp Genetics (formerly Invitae), Labcorp
Classification: Uncertain significance for Familial temporal lobe epilepsy 7; Norman-Roberts syndrome. Last evaluated: 2023-11-18. Review status: criteria provided, single submitter. Criteria: Invitae Variant Classification Sherloc (09022015). Collection method: clinical testing. Allele origin: germline.
Comment: This sequence change replaces isoleucine, which is neutral and non-polar, with threonine, which is neutral and polar, at codon 218 of the RELN protein (p.Ile218Thr). The frequency data for this variant in the population databases is considered unreliable, as metrics indicate poor data quality at this position in the gnomAD database. This variant has not been reported in the literature in individuals affected with RELN-related conditions. ClinVar contains an entry for this variant (Variation ID: 2372014). Advanced modeling of protein sequence and biophysical properties (such as structural, functional, and spatial information, amino acid conservation, physicochemical variation, residue mobility, and thermodynamic stability) performed at Invitae indicates that this missense variant is not expected to disrupt RELN protein function with a negative predictive value of 80%. In summary, the available evidence is currently insufficient to determine the role of this variant in disease. Therefore, it has been classified as a Variant of Uncertain Significance.

Ambry Genetics
Classification: Uncertain significance for Inborn genetic diseases. Last evaluated: 2022-07-20. Review status: criteria provided, single submitter. Criteria: Ambry Variant Classification Scheme 2023. Collection method: clinical testing. Allele origin: germline.

NM_005045.4(RELN):c.653T>C (p.Ile218Thr)

Gene: RELN (reelin; minus strand). Cytogenetic location: 7q22.1.
Variant type: single nucleotide variant.
Coding change: c.653T>C on transcript NM_005045.4 (MANE Select); coding-DNA position 653, T replaced by C.
Protein change: p.Ile218Thr; replaces isoleucine 218 with threonine.
Molecular consequence: missense variant.
Genome position (GRCh38, 1-based): chr7:103,749,429, A>G on the plus strand (T>C on the coding strand, the complement: RELN is on the minus strand). VCF-style: chr7-103749429-A-G. GRCh37 (hg19) VCF-style: chr7-103389876-A-G.
Other names: c.653T>C, p.Ile218Thr (NM_173054.3); short protein forms I218T.
Identifiers: ClinVar variation 2372014 (VCV002372014.5), dbSNP rs374181862, ClinGen allele CA4422503.